The following is an entry in ClinVar:

NM_000444.6(PHEX):c.2164_2170delinsCTGGAA (p.Ser722fs)

Genes: PHEX (phosphate regulating endopeptidase X-linked; plus strand), PTCHD1-AS (PTCHD1 and PHEX antisense RNA; minus strand). Cytogenetic location: Xp22.11.
Variant type: Indel.
Coding change: c.2164_2170delinsCTGGAA on transcript NM_000444.6 (MANE Select); coding-DNA positions 2164 to 2170, AGTAACT replaced by CTGGAA.
Protein change: p.Ser722fs; shifts the reading frame from serine 722.
Molecular consequence: frameshift variant. On other transcripts: stop lost (1).
Genome position (GRCh38, 1-based): chrX:22,247,867-22,247,873, AGTAACT replaced by CTGGAA. VCF-style: chrX-22247867-AGTAACT-CTGGAA. GRCh37 (hg19) VCF-style: chrX-22265984-AGTAACT-CTGGAA.
Other names: c.2087_*5delinsCTGGAA, p.Ter696SerextTer? (NM_001282754.2); short protein forms S722fs.
Identifiers: ClinVar variation 2099810 (VCV002099810.4), dbSNP rs2518713702, ClinGen allele CA2580100485.

ClinVar aggregate classification (germline): Pathogenic (1 of 4 stars; one submission).

Submission:

Labcorp Genetics (formerly Invitae), Labcorp
Classification: Pathogenic. Last evaluated: 2022-02-20. Review status: criteria provided, single submitter. Criteria: Invitae Variant Classification Sherloc (09022015). Collection method: clinical testing. Allele origin: germline.
Comment: This variant is not present in population databases (gnomAD no frequency). This variant has not been reported in the literature in individuals affected with PHEX-related conditions. This variant disrupts a region of the PHEX protein in which other variant(s) (p.Arg747*) have been determined to be pathogenic (PMID: 9199930, 9768674). This suggests that this is a clinically significant region of the protein, and that variants that disrupt it are likely to be disease-causing. For these reasons, this variant has been classified as Pathogenic. This sequence change creates a premature translational stop signal (p.Ser722Leufs*18) in the PHEX gene. While this is not anticipated to result in nonsense mediated decay, it is expected to disrupt the last 28 amino acid(s) of the PHEX protein.

Literature cited by the submitters: PubMed 9199930; PubMed 9768674.